The following is an entry in ClinVar:

NM_001035.3(RYR2):c.6555+277C>T

Gene: RYR2 (ryanodine receptor 2; plus strand). Cytogenetic location: 1q43.
Variant type: single nucleotide variant.
Coding change: c.6555+277C>T on transcript NM_001035.3 (MANE Select); 277 bases into the intron after coding-DNA position 6555, C replaced by T.
Molecular consequence: intron variant.
Genome position (GRCh38, 1-based): chr1:237,631,818, C>T. VCF-style: chr1-237631818-C-T. GRCh37 (hg19) VCF-style: chr1-237795118-C-T.
Identifiers: ClinVar variation 668844 (VCV000668844.1), dbSNP rs12725099, ClinGen allele CA16083577.

ClinVar aggregate classification (germline): Benign (1 of 4 stars; one submission).

Allele frequency attached by ClinVar (database versions not stated): gnomAD 0.15908 and 0.16785; TOPMed 0.15989; 1000 Genomes Project 30x 0.19956; 1000 Genomes Project 0.21346.
gnomAD v4.1: 25,484 of 150,702 alleles (17%); highest among the groups gnomAD compares: East Asian, 39%; 2,788 homozygotes.

Submission:

GeneDx
Classification: Benign. Last evaluated: 2018-06-18. Review status: criteria provided, single submitter. Criteria: GeneDx Variant Classification (06012015). Collection method: clinical testing. Allele origin: germline. Affected: yes.
Comment: This variant is considered likely benign or benign based on one or more of the following criteria: it is a conservative change, it occurs at a poorly conserved position in the protein, it is predicted to be benign by multiple in silico algorithms, and/or has population frequency not consistent with disease.